The following is an entry in ClinVar:

ClinVar aggregate classification (germline): Uncertain significance. Review status: criteria provided, multiple submitters, no conflicts (2 of 4 stars). 2 submissions from 2 submitters: Uncertain significance (2). Last evaluated 2024-03-22.

Submissions (2):

Women's Health and Genetics/Laboratory Corporation of America, LabCorp
Classification: Uncertain significance. Last evaluated: 2024-03-22. Review status: criteria provided, single submitter. Criteria: LabCorp Variant Classification Summary - May 2015. Collection method: clinical testing. Allele origin: germline.
Comment: Variant summary: GHSR c.33delG (p.Phe12SerfsX126) results in a premature termination codon, predicted to cause absence of the protein due to nonsense mediated decay, however current evidence is not sufficient to establish loss-of-function variants in GHSR as causative of disease. The variant allele was found at a frequency of 1.3e-05 in 232788 control chromosomes. The available data on variant occurrences in the general population are insufficient to allow any conclusion about variant significance. To our knowledge, no occurrence of c.33delG in individuals affected with Short Stature Due To Growth Hormone Secretagogue Receptor Deficiency and no experimental evidence demonstrating its impact on protein function have been reported. ClinVar contains an entry for this variant (Variation ID: 2429525). Based on the evidence outlined above, the variant was classified as uncertain significance.

GeneDx
Classification: Uncertain significance. Last evaluated: 2022-08-12. Review status: criteria provided, single submitter. Criteria: GeneDx Variant Classification Process June 2021. Collection method: clinical testing. Allele origin: germline. Affected: yes.
Comment: Frameshift variant predicted to result in protein truncation or nonsense mediated decay in a gene or region of a gene for which loss of function is not a well-established mechanism of disease; Has not been previously published as pathogenic or benign to our knowledge

NM_198407.2(GHSR):c.33del (p.Phe12fs)

Gene: GHSR (growth hormone secretagogue receptor; minus strand). Cytogenetic location: 3q26.31.
Variant type: Deletion.
Coding change: c.33del on transcript NM_198407.2 (MANE Select); coding-DNA position 33, one base deleted (G; older notation c.33delG).
Protein change: p.Phe12fs; shifts the reading frame from phenylalanine 12.
Molecular consequence: frameshift variant.
Genome position (GRCh38, 1-based): chr3:172,448,381, C deleted on the plus strand (G on the coding strand, the reverse complement: GHSR is on the minus strand); the first of 4 consecutive C bases (chr3:172,448,381-172,448,384); deleting any one gives the same sequence. VCF-style (leftmost placement, unchanged base first): chr3-172448380-AC-A. GRCh37 (hg19) VCF-style: chr3-172166170-AC-A.
Other names: c.33del, p.Phe12fs (NM_004122.2); c.33delG (NM_198407.2); short protein forms F12fs.
Identifiers: ClinVar variation 2429525 (VCV002429525.3), dbSNP rs1212518070, ClinGen allele CA548333840.